The following is an entry in ClinVar:

NM_004526.4(MCM2):c.2030G>A (p.Arg677His)

Gene: MCM2 (minichromosome maintenance complex component 2; plus strand). Cytogenetic location: 3q21.3.
Variant type: single nucleotide variant.
Coding change: c.2030G>A on transcript NM_004526.4 (MANE Select); coding-DNA position 2030, G replaced by A.
Protein change: p.Arg677His; replaces arginine 677 with histidine.
Molecular consequence: missense variant. On other transcripts: non-coding transcript variant (1).
Genome position (GRCh38, 1-based): chr3:127,619,043, G>A. VCF-style: chr3-127619043-G-A. GRCh37 (hg19) VCF-style: chr3-127337886-G-A.
Other names: p.Arg677His; c.2030G>A (NM_004526.3); short protein forms R677H.
Identifiers: ClinVar variation 1896612 (VCV001896612.6), dbSNP rs370006900, ClinGen allele CA2596101.
Genomic context (GRCh38, chr3:127,619,043, plus strand): 5'-ACGCACACCCACAATCAGACCCACCCTCTCATGGCTTATCTTAGGACGAGATGCTGGCCC[G>A]CTTCGTGGTGGGCAGCCACGTCAGACACCACCCCAGCAACAAGGAGGAGGAGGGGCTGGC-3'
Protein context (NP_004517.2, residues 667-687): VDPVQDEMLA[Arg677His]FVVGSHVRHH

ClinVar aggregate classification (germline): Uncertain significance. Review status: criteria provided, multiple submitters, no conflicts (2 of 4 stars). 2 submissions from 2 submitters: Uncertain significance (2). Last evaluated 2024-10-24.

Allele frequency attached by ClinVar (database versions not stated): ExAC 0.00001; gnomAD 0.00001; gnomAD exomes 0.00001; TOPMed 0.00003; ESP Exome Variant Server 0.00008.
gnomAD v4.1: 20 of 1,603,696 alleles (0.0012%); highest among the groups gnomAD compares: Admixed American, 0.005%; no homozygotes.

Submissions (2):

Labcorp Genetics (formerly Invitae), Labcorp
Classification: Uncertain significance. Last evaluated: 2024-10-24. Review status: criteria provided, single submitter. Criteria: Invitae Variant Classification Sherloc (09022015). Collection method: clinical testing. Allele origin: germline.
Comment: This sequence change replaces arginine, which is basic and polar, with histidine, which is basic and polar, at codon 677 of the MCM2 protein (p.Arg677His). The frequency data for this variant in the population databases is considered unreliable, as metrics indicate poor data quality at this position in the gnomAD database. This variant has not been reported in the literature in individuals affected with MCM2-related conditions. ClinVar contains an entry for this variant (Variation ID: 1896612). Invitae Evidence Modeling of protein sequence and biophysical properties (such as structural, functional, and spatial information, amino acid conservation, physicochemical variation, residue mobility, and thermodynamic stability) indicates that this missense variant is not expected to disrupt MCM2 protein function with a negative predictive value of 80%. In summary, the available evidence is currently insufficient to determine the role of this variant in disease. Therefore, it has been classified as a Variant of Uncertain Significance.

Mayo Clinic Laboratories, Mayo Clinic
Classification: Uncertain significance. Last evaluated: 2022-03-15. Review status: criteria provided, single submitter. Criteria: ACMG Guidelines, 2015. Collection method: clinical testing. Allele origin: germline. Observed: 1 variant allele.
Comment: PM2